The following is an entry in ClinVar:

ClinVar aggregate classification (germline): Uncertain significance (1 of 4 stars; one submission).

Conditions:
Cardiovascular phenotype. Identifiers: MedGen CN230736.

Allele frequency attached by ClinVar (database versions not stated): gnomAD exomes below 0.00001; TOPMed below 0.00001.
gnomAD v4.1: 1 of 1,614,078 alleles (0.000062%); highest among the groups gnomAD compares: Non-Finnish European, 0.000085%; no homozygotes.

Submission:

Ambry Genetics
Classification: Uncertain significance for Cardiovascular phenotype. Last evaluated: 2022-12-09. Review status: criteria provided, single submitter. Criteria: Ambry Variant Classification Scheme 2023. Collection method: clinical testing. Allele origin: germline.
Comment: The p.I2392R variant (also known as c.7175T>G), located in coding exon 31 of the AKAP9 gene, results from a T to G substitution at nucleotide position 7175. The isoleucine at codon 2392 is replaced by arginine, an amino acid with similar properties. This amino acid position is poorly conserved in available vertebrate species. In addition, this alteration is predicted to be tolerated by in silico analysis. The evidence for this gene-disease relationship is limited; therefore, the clinical significance of this alteration is unclear.

NM_005751.5(AKAP9):c.7175T>G (p.Ile2392Arg)

Gene: AKAP9 (A-kinase anchoring protein 9; plus strand). Cytogenetic location: 7q21.2.
Variant type: single nucleotide variant.
Coding change: c.7175T>G on transcript NM_005751.5 (MANE Select); coding-DNA position 7175, T replaced by G.
Protein change: p.Ile2392Arg; replaces isoleucine 2392 with arginine.
Molecular consequence: missense variant.
Genome position (GRCh38, 1-based): chr7:92,079,308, T>G. VCF-style: chr7-92079308-T-G. GRCh37 (hg19) VCF-style: chr7-91708622-T-G.
Other names: c.1820T>G, p.Ile607Arg (NM_001379277.1); c.7151T>G, p.Ile2384Arg (NM_147185.3); short protein forms I607R, I2384R, I2392R.
Identifiers: ClinVar variation 2449742 (VCV002449742.2), dbSNP rs1034432737, ClinGen allele CA161885303.